The following is an entry in ClinVar:

ClinVar aggregate classification (germline): Conflicting classifications of pathogenicity. Review status: criteria provided, conflicting classifications (1 of 4 stars). 4 submissions from 4 submitters: Uncertain significance (1); Likely benign (3). Last evaluated 2025-12-31.

Conditions:
Inborn genetic diseases. Identifiers: MedGen C0950123, MeSH D030342.
Niemann-Pick disease, type C1. Also called: NEUROVISCERAL STORAGE DISEASE WITH VERTICAL SUPRANUCLEAR OPHTHALMOPLEGIA; NIEMANN-PICK DISEASE WITH CHOLESTEROL ESTERIFICATION BLOCK; NIEMANN-PICK DISEASE WITHOUT SPHINGOMYELINASE DEFICIENCY; NIEMANN-PICK DISEASE, CHRONIC NEURONOPATHIC FORM; NIEMANN-PICK DISEASE, VARIANT TYPE C1. Identifiers: Orphanet 646, MedGen C3179455, MONDO:0009757, OMIM 257220.

Allele frequency attached by ClinVar (database versions not stated): ExAC 0.00002; gnomAD exomes 0.00002 and 0.00006; gnomAD 0.00004; TOPMed 0.00005; ESP Exome Variant Server 0.00015.
gnomAD v4.1: 98 of 1,609,476 alleles (0.0061%); highest among the groups gnomAD compares: Non-Finnish European, 0.0079%; no homozygotes.

Submissions (4):

Labcorp Genetics (formerly Invitae), Labcorp
Classification: Likely benign for Niemann-Pick disease, type C1. Last evaluated: 2025-12-31. Review status: criteria provided, single submitter. Criteria: Invitae Variant Classification Sherloc (09022015). Collection method: clinical testing. Allele origin: germline.

Blueprint Genetics
Classification: Likely benign. Last evaluated: 2024-10-16. Review status: criteria provided, single submitter. Criteria: ACMG Guidelines, 2015. Collection method: clinical testing. Allele origin: germline.

Ambry Genetics
Classification: Uncertain significance for Inborn genetic diseases. Last evaluated: 2021-11-19. Review status: criteria provided, single submitter. Criteria: Ambry Variant Classification Scheme 2023. Collection method: clinical testing. Allele origin: germline.
Comment: The c.181-4A>C intronic alteration consists of a A to C substitution 4 nucleotides before coding exon 3 in the NPC1 gene. Based on insufficient or conflicting evidence, the clinical significance of this alteration remains unclear.

ARUP Laboratories, Molecular Genetics and Genomics, ARUP Laboratories
Classification: Likely benign. Last evaluated: 2017-02-24. Review status: criteria provided, single submitter. Criteria: ARUP Molecular Germline Variant Investigation Process. Collection method: clinical testing. Allele origin: germline.

NM_000271.5(NPC1):c.181-4A>C

Gene: NPC1 (NPC intracellular cholesterol transporter 1; minus strand). Cytogenetic location: 18q11.2.
Variant type: single nucleotide variant.
Coding change: c.181-4A>C on transcript NM_000271.5 (MANE Select); 4 bases into the intron before coding-DNA position 181, A replaced by C.
Molecular consequence: intron variant.
Genome position (GRCh38, 1-based): chr18:23,572,184, T>G on the plus strand (A>C on the coding strand, the complement: NPC1 is on the minus strand). VCF-style: chr18-23572184-T-G. GRCh37 (hg19) VCF-style: chr18-21152148-T-G.
Other names: c.181-4A>C (NM_000271.4).
Identifiers: ClinVar variation 440009 (VCV000440009.19), dbSNP rs374571310, ClinGen allele CA8913796.